The following is an entry in ClinVar:

ClinVar aggregate classification (germline): Uncertain significance. Review status: criteria provided, multiple submitters, no conflicts (2 of 4 stars). 2 submissions from 2 submitters: Uncertain significance (2). Last evaluated 2024-02-11.

Conditions:
Renal hypomagnesemia 4. Also called: HYPOMAGNESEMIA, RENAL, NORMOCALCIURIC. Identifiers: Orphanet 34527, MedGen C2673648, MONDO:0012717, OMIM 611718.

Allele frequency attached by ClinVar (database versions not stated): TOPMed 0.00005; gnomAD 0.00006; ExAC 0.00012; ESP Exome Variant Server 0.00015.
gnomAD v4.1: 156 of 1,613,958 alleles (0.0097%); highest among the groups gnomAD compares: Non-Finnish European, 0.013%; no homozygotes.

Submissions (2):

Labcorp Genetics (formerly Invitae), Labcorp
Classification: Uncertain significance. Last evaluated: 2024-02-11. Review status: criteria provided, single submitter. Criteria: Invitae Variant Classification Sherloc (09022015). Collection method: clinical testing. Allele origin: germline.
Comment: This sequence change replaces alanine, which is neutral and non-polar, with serine, which is neutral and polar, at codon 1025 of the EGF protein (p.Ala1025Ser). This variant is present in population databases (rs149056615, gnomAD 0.02%). This variant has not been reported in the literature in individuals affected with EGF-related conditions. ClinVar contains an entry for this variant (Variation ID: 347254). An algorithm developed to predict the effect of missense changes on protein structure and function (PolyPhen-2) suggests that this variant is likely to be disruptive. In summary, the available evidence is currently insufficient to determine the role of this variant in disease. Therefore, it has been classified as a Variant of Uncertain Significance.

Illumina Laboratory Services, Illumina
Classification: Uncertain significance for Renal hypomagnesemia 4. Last evaluated: 2018-01-12. Review status: criteria provided, single submitter. Criteria: ICSL Variant Classification Criteria 13 December 2019. Collection method: clinical testing. Allele origin: germline.

NM_001963.6(EGF):c.3073G>T (p.Ala1025Ser)

Gene: EGF (epidermal growth factor; plus strand). Cytogenetic location: 4q25.
Variant type: single nucleotide variant.
Coding change: c.3073G>T on transcript NM_001963.6 (MANE Select); coding-DNA position 3073, G replaced by T.
Protein change: p.Ala1025Ser; replaces alanine 1025 with serine.
Molecular consequence: missense variant.
Genome position (GRCh38, 1-based): chr4:109,999,746, G>T. VCF-style: chr4-109999746-G-T. GRCh37 (hg19) VCF-style: chr4-110920902-G-T.
Other names: c.2950G>T, p.Ala984Ser (NM_001178130.3); c.2947G>T, p.Ala983Ser (NM_001178131.3); c.2704G>T, p.Ala902Ser (NM_001357021.2); short protein forms A1025S, A902S, A983S, A984S.
Identifiers: ClinVar variation 347254 (VCV000347254.12), dbSNP rs149056615, ClinGen allele CA3044166.